The following is an entry in ClinVar:

NM_014365.3(HSPB8):c.14A>G (p.Gln5Arg)

Gene: HSPB8 (heat shock protein family B (small) member 8; plus strand). Cytogenetic location: 12q24.23.
Variant type: single nucleotide variant.
Coding change: c.14A>G on transcript NM_014365.3 (MANE Select); coding-DNA position 14, A replaced by G.
Protein change: p.Gln5Arg; replaces glutamine 5 with arginine.
Molecular consequence: missense variant.
Genome position (GRCh38, 1-based): chr12:119,179,326, A>G. VCF-style: chr12-119179326-A-G. GRCh37 (hg19) VCF-style: chr12-119617131-A-G.
Other names: short protein forms Q5R.
Identifiers: ClinVar variation 567484 (VCV000567484.64), dbSNP rs146900850, ClinGen allele CA6819480.
Genomic context (GRCh38, chr12:119,179,326, plus strand): 5'-GTTCTGTCTCTCTGAGCCTCTGTTTCTCTCTGAGCTGAGCAGCCACCATGGCTGACGGTC[A>G]GATGCCCTTCTCCTGCCACTACCCAAGCCGCCTGCGCCGAGACCCCTTCCGGGACTCTCC-3'
Protein context (NP_055180.1, residues 1-15): MADG[Gln5Arg]MPFSCHYPSR

ClinVar aggregate classification (germline): Conflicting classifications of pathogenicity. Review status: criteria provided, conflicting classifications (1 of 4 stars). 9 submissions from 8 submitters: Uncertain significance (5); Likely benign (4). Last evaluated 2026-04-10.

Conditions:
Charcot-Marie-Tooth disease axonal type 2L. Also called: Charcot-Marie-Tooth Neuropathy Type 2L; CHARCOT-MARIE-TOOTH DISEASE, AXONAL, AUTOSOMAL DOMINANT, TYPE 2L; CHARCOT-MARIE-TOOTH NEUROPATHY, AXONAL, TYPE 2L. Identifiers: Orphanet 99945, MedGen C1837552, MONDO:0012096, OMIM 608673.
Neuronopathy, distal hereditary motor, type 2A. Also called: CHARCOT-MARIE-TOOTH DISEASE, SPINAL, IIA; NEURONOPATHY, DISTAL HEREDITARY MOTOR, AUTOSOMAL DOMINANT 2; NEURONOPATHY, DISTAL HEREDITARY MOTOR, HARDING TYPE IIA; NEUROPATHY, DISTAL HEREDITARY MOTOR, HARDING TYPE IIA; SPINAL MUSCULAR ATROPHY, DISTAL, ADULT, AUTOSOMAL DOMINANT, HARDING TYPE IIA; HMN IIA. Identifiers: Orphanet 139525, MedGen C1834692, MONDO:0008025, OMIM 158590.
Inborn genetic diseases. Identifiers: MedGen C0950123, MeSH D030342.
HSPB8-related disorder. Also called: HSPB8-related condition.

Allele frequency attached by ClinVar (database versions not stated): gnomAD exomes 0.00006 and 0.00010; TOPMed 0.00006; ESP Exome Variant Server 0.00008; gnomAD 0.00009; ExAC 0.00012; 1000 Genomes Project 30x 0.00016; 1000 Genomes Project 0.00020.

Submissions (9):

Women's Health and Genetics/Laboratory Corporation of America, LabCorp
Classification: Likely benign. Last evaluated: 2026-04-10. Review status: criteria provided, single submitter. Criteria: LabCorp Variant Classification Summary - May 2015. Collection method: clinical testing. Allele origin: germline.
Comment: Variant summary: HSPB8 c.14A>G (p.Gln5Arg) results in a conservative amino acid change in the encoded protein sequence. Algorithms developed to predict the effect of missense changes on protein structure and function are either unavailable or do not agree on the potential impact of this missense change. The variant allele was found at a frequency of 9.6e-05 in 250696 control chromosomes. The observed variant frequency exceeds the estimated maximal expected allele frequency for disease-causing variants in HSPB8. c.14A>G has been observed in at least one individual affected with Charcot-Marie-Tooth disease (Volodarsky_2021). The report does not provide unequivocal conclusions about association of the variant with Charcot-Marie-Tooth disease axonal type 2L. To our knowledge, no experimental evidence demonstrating an impact on protein function has been reported. The following publication have been ascertained in the context of this evaluation (PMID: 32376792). ClinVar contains an entry for this variant (Variation ID: 567484). Based on the evidence outlined above, the variant was classified as likely benign.

Labcorp Genetics (formerly Invitae), Labcorp
Classification: Uncertain significance for Charcot-Marie-Tooth disease axonal type 2L. Last evaluated: 2025-09-26. Review status: criteria provided, single submitter. Criteria: Invitae Variant Classification Sherloc (09022015). Collection method: clinical testing. Allele origin: germline.
Comment: This sequence change replaces glutamine, which is neutral and polar, with arginine, which is basic and polar, at codon 5 of the HSPB8 protein (p.Gln5Arg). This variant is present in population databases (rs146900850, gnomAD 0.02%). This missense change has been observed in individual(s) with Charcot-Marie-Tooth disease (PMID: 32376792). ClinVar contains an entry for this variant (Variation ID: 567484). An algorithm developed to predict the effect of missense changes on protein structure and function (PolyPhen-2) suggests that this variant is likely to be disruptive. In summary, the available evidence is currently insufficient to determine the role of this variant in disease. Therefore, it has been classified as a Variant of Uncertain Significance.

PreventionGenetics, part of Exact Sciences
Classification: Uncertain significance for HSPB8-related condition. Last evaluated: 2025-07-15. Review status: criteria provided, single submitter. Criteria: ACMG Guidelines, 2015. Collection method: clinical testing. Allele origin: germline.
Comment: The HSPB8 c.14A>G variant is predicted to result in the amino acid substitution p.Gln5Arg. This variant was reported as a variant of uncertain significance in an individual from a large cohort study of Charcot-Marie-Tooth disease; however, additional evidence was not provided (Volodarsky et al. 2021. PubMed ID: 32376792). This variant is reported in 0.023% of alleles in individuals of South Asian descent in gnomAD. Although we suspect that this variant may be benign, at this time, the clinical significance of this variant is uncertain due to the absence of conclusive functional and genetic evidence.

CeGaT Center for Human Genetics Tuebingen
Classification: Likely benign. Last evaluated: 2022-05-01. Review status: criteria provided, single submitter. Criteria: CeGaT Center For Human Genetics Tuebingen Variant Classification Criteria Version 2. Collection method: clinical testing. Allele origin: germline. Affected: yes. Observed: 2 variant alleles.
Comment: HSPB8: BS1

ARUP Laboratories, Molecular Genetics and Genomics, ARUP Laboratories
Classification: Uncertain significance. Last evaluated: 2019-12-09. Review status: criteria provided, single submitter. Criteria: ARUP Molecular Germline Variant Investigation Process. Collection method: clinical testing. Allele origin: germline.
Comment: The HSPB8 c.14A>G; p.Gln5Arg variant (rs146900850), to our knowledge, is not reported in the medical literature but is reported as uncertain significance in ClinVar (Variation ID: 567484). This variant is found in the general population with an overall allele frequency of 0.01% (31/282058 alleles) in the Genome Aggregation Database. The glutamine at codon 5 is moderately conserved, and computational analyses (SIFT, PolyPhen-2) predict that this variant is tolerated. However, due to limited information, the clinical significance of the p.Gln5Arg variant is uncertain at this time.

Ambry Genetics
Classification: Likely benign for Inborn genetic diseases. Last evaluated: 2019-10-28. Review status: criteria provided, single submitter. Criteria: Ambry Variant Classification Scheme 2023. Collection method: clinical testing. Allele origin: germline.

Fulgent Genetics
Classification: Uncertain significance for Neuronopathy, distal hereditary motor, type 2A; Charcot-Marie-Tooth disease axonal type 2L. Last evaluated: 2018-10-31. Review status: criteria provided, single submitter. Criteria: ACMG Guidelines, 2015. Collection method: clinical testing. Allele origin: unknown.

Illumina Laboratory Services, Illumina
Classification: Uncertain significance for Charcot-Marie-Tooth disease axonal type 2L. Last evaluated: 2018-01-13. Review status: criteria provided, single submitter. Criteria: ICSL Variant Classification Criteria 13 December 2019. Collection method: clinical testing. Allele origin: germline.

Illumina Laboratory Services, Illumina
Classification: Likely benign for Neuronopathy, distal hereditary motor, type 2A. Last evaluated: 2018-01-13. Review status: criteria provided, single submitter. Criteria: ICSL Variant Classification Criteria 13 December 2019. Collection method: clinical testing. Allele origin: germline.
Comment: This variant was observed in the ICSL laboratory as part of a predisposition screen in an ostensibly healthy population. It had not been previously curated by ICSL or reported in the Human Gene Mutation Database (HGMD: prior to June 1st, 2018), and was therefore a candidate for classification through an automated scoring system. Utilizing variant allele frequency, disease prevalence and penetrance estimates, and inheritance mode, an automated score was calculated to assess if this variant is too frequent to cause the disease. Based on the score and internal cut-off values, a variant classified as likely benign is not then subjected to further curation. The score for this variant resulted in a classification of likely benign for this disease.

Literature cited by the submitters: PubMed 32376792 (cited by Women's Health and Genetics/Laboratory Corporation of America, LabCorp and Labcorp Genetics (formerly Invitae), Labcorp).